The following is an entry in ClinVar:

ClinVar aggregate classification (germline): Benign (1 of 4 stars; one submission).

gnomAD v4.1: 19,810 of 1,613,962 alleles (1.2%); highest among the groups gnomAD compares: Non-Finnish European, 1.3%; 162 homozygotes.

Submission:

CeGaT Center for Human Genetics Tuebingen
Classification: Benign. Last evaluated: 2025-07-01. Review status: criteria provided, single submitter. Criteria: CeGaT Center For Human Genetics Tuebingen Variant Classification Criteria Version 2. Collection method: clinical testing. Allele origin: germline. Affected: yes. Observed: 1 variant allele.
Comment: OAS2: BP4, BP7, BS1, BS2

NM_002535.3(OAS2):c.498C>T (p.Ser166=)

Gene: OAS2 (2'-5'-oligoadenylate synthetase 2; plus strand). Cytogenetic location: 12q24.13.
Variant type: single nucleotide variant.
Coding change: c.498C>T on transcript NM_002535.3 (MANE Select); coding-DNA position 498, C replaced by T.
Protein change: p.Ser166=; no amino-acid change (serine 166 retained).
Molecular consequence: synonymous variant.
Genome position (GRCh38, 1-based): chr12:112,995,345, C>T. VCF-style: chr12-112995345-C-T. GRCh37 (hg19) VCF-style: chr12-113433150-C-T.
Other names: c.498C>T, p.Ser166= (NM_016817.3).
Identifiers: ClinVar variation 4083557 (VCV004083557.8).